The following is an entry in ClinVar:

NM_004168.4(SDHA):c.591C>G (p.Gly197=)

Gene: SDHA (succinate dehydrogenase complex flavoprotein subunit A; plus strand). Cytogenetic location: 5p15.33.
Variant type: single nucleotide variant.
Coding change: c.591C>G on transcript NM_004168.4 (MANE Select); coding-DNA position 591, C replaced by G.
Protein change: p.Gly197=; no amino-acid change (glycine 197 retained).
Molecular consequence: synonymous variant.
Genome position (GRCh38, 1-based): chr5:226,017, C>G. VCF-style: chr5-226017-C-G. GRCh37 (hg19) VCF-style: chr5-226132-C-G.
Other names: c.591C>G (NM_004168.2); c.447C>G, p.Gly149= (NM_001294332.2); c.591C>G, p.Gly197= (NM_001330758.2).
Identifiers: ClinVar variation 2027416 (VCV002027416.6), dbSNP rs2126550355, ClinGen allele CA442691155.

ClinVar aggregate classification (germline): Benign/Likely benign. Review status: criteria provided, multiple submitters, no conflicts (2 of 4 stars). 3 submissions from 3 submitters: Benign (1); Likely benign (2). Last evaluated 2025-06-25.

Conditions:
Pheochromocytoma/paraganglioma syndrome 5. Also called: Paragangliomas 5; SDHA-Related Hereditary Paraganglioma-Pheochromocytoma Syndrome. Identifiers: Orphanet 29072, MedGen C3279992, MONDO:0013602, OMIM 614165.
Mitochondrial complex II deficiency, nuclear type 1. Also called: SUCCINATE CoQ REDUCTASE DEFICIENCY. Identifiers: Orphanet 3208, MedGen C5700310, MONDO:0100294, OMIM 252011.
Hereditary cancer-predisposing syndrome. Also called: Hereditary Cancer Syndrome; Hereditary neoplastic syndrome; Neoplastic Syndromes, Hereditary; Tumor predisposition. Identifiers: Orphanet 140162, MedGen C0027672, MeSH D009386, MONDO:0015356.

Submissions (3):

Ambry Genetics
Classification: Likely benign for Hereditary cancer-predisposing syndrome. Last evaluated: 2025-06-25. Review status: criteria provided, single submitter. Criteria: Ambry Variant Classification Scheme 2023. Collection method: clinical testing. Allele origin: germline.

Myriad Genetics, Inc.
Classification: Benign for Pheochromocytoma/paraganglioma syndrome 5. Last evaluated: 2025-03-03. Review status: criteria provided, single submitter. Criteria: Myriad Autosomal Dominant, Autosomal Recessive and X-Linked Classification Criteria (2023). Collection method: clinical testing. Allele origin: unknown.
Comment: This variant is considered benign. This variant is a silent/synonymous amino acid change and it is not expected to impact splicing.

Labcorp Genetics (formerly Invitae), Labcorp
Classification: Likely benign for Pheochromocytoma/paraganglioma syndrome 5; Mitochondrial complex II deficiency, nuclear type 1. Last evaluated: 2021-12-02. Review status: criteria provided, single submitter. Criteria: Invitae Variant Classification Sherloc (09022015). Collection method: clinical testing. Allele origin: germline.